The following is an entry in ClinVar:

ClinVar aggregate classification (germline): Likely pathogenic (1 of 4 stars; one submission).

Conditions:
Kabuki syndrome 2 (KABUK2). Also called: KDM6A-Related Kabuki Syndrome. Identifiers: Orphanet 2322, MedGen C3275495, MONDO:0010465, OMIM 300867.

Submission:

Labcorp Genetics (formerly Invitae), Labcorp
Classification: Likely pathogenic for Kabuki syndrome 2. Last evaluated: 2018-11-01. Review status: criteria provided, single submitter. Criteria: Invitae Variant Classification Sherloc (09022015). Collection method: clinical testing. Allele origin: germline.
Comment: Donor and acceptor splice site variants typically lead to a loss of protein function (PMID: 16199547), and loss-of-function variants in KDM6A are known to be pathogenic (PMID: 23076834). In summary, the currently available evidence indicates that the variant is pathogenic, but additional data are needed to prove that conclusively. Therefore, this variant has been classified as Likely Pathogenic. Algorithms developed to predict the effect of sequence changes on RNA splicing suggest that this variant may disrupt the consensus splice site, but this prediction has not been confirmed by published transcriptional studies. This variant has not been reported in the literature in individuals with KDM6A-related disease. This variant is not present in population databases (ExAC no frequency). This sequence change affects a donor splice site in intron 20 of the KDM6A gene. It is expected to disrupt RNA splicing and likely results in an absent or disrupted protein product.

Literature cited by the submitters: PubMed 16199547; PubMed 23076834.

NM_001291415.2(KDM6A):c.3300+1G>A

Gene: KDM6A (lysine demethylase 6A; plus strand). Cytogenetic location: Xp11.3.
Variant type: single nucleotide variant.
Coding change: c.3300+1G>A on transcript NM_001291415.2 (MANE Select); the canonical splice donor site of the intron after coding-DNA position 3300, G replaced by A.
Molecular consequence: splice donor variant.
Genome position (GRCh38, 1-based): chrX:45,079,352, G>A. VCF-style: chrX-45079352-G-A. GRCh37 (hg19) VCF-style: chrX-44938597-G-A.
Other names: c.3144+1G>A (NM_021140.4); c.3042+1G>A (NM_001410742.1); c.3165+1G>A (NM_001291416.2); c.3009+1G>A (NM_001291417.2); c.2907+1G>A (NM_001291418.2); c.2256+1G>A (NM_001291421.2).
Identifiers: ClinVar variation 663689 (VCV000663689.7), dbSNP rs1602928572, ClinGen allele CA412802292.